The following is an entry in ClinVar:

ClinVar aggregate classification (germline): Uncertain significance (1 of 4 stars; one submission).

Submission:

Labcorp Genetics (formerly Invitae), Labcorp
Classification: Uncertain significance. Last evaluated: 2021-03-24. Review status: criteria provided, single submitter. Criteria: Invitae Variant Classification Sherloc (09022015). Collection method: clinical testing. Allele origin: germline.
Comment: In summary, the available evidence is currently insufficient to determine the role of this variant in disease. Therefore, it has been classified as a Variant of Uncertain Significance. Algorithms developed to predict the effect of missense changes on protein structure and function output the following: SIFT: "Tolerated"; PolyPhen-2: "Benign"; Align-GVGD: "Class C0". The asparagine amino acid residue is found in multiple mammalian species, suggesting that this missense change does not adversely affect protein function. These predictions have not been confirmed by published functional studies and their clinical significance is uncertain. This variant has not been reported in the literature in individuals with RBP4-related conditions. This variant is not present in population databases (ExAC no frequency). This sequence change replaces aspartic acid with asparagine at codon 66 of the RBP4 protein (p.Asp66Asn). The aspartic acid residue is moderately conserved and there is a small physicochemical difference between aspartic acid and asparagine.

NM_006744.4(RBP4):c.196G>A (p.Asp66Asn)

Gene: RBP4 (retinol binding protein 4; minus strand). Cytogenetic location: 10q23.33.
Variant type: single nucleotide variant.
Coding change: c.196G>A on transcript NM_006744.4 (MANE Select); coding-DNA position 196, G replaced by A.
Protein change: p.Asp66Asn; replaces aspartic acid 66 with asparagine.
Molecular consequence: missense variant.
Genome position (GRCh38, 1-based): chr10:93,600,719, C>T on the plus strand (G>A on the coding strand, the complement: RBP4 is on the minus strand). VCF-style: chr10-93600719-C-T. GRCh37 (hg19) VCF-style: chr10-95360476-C-T.
Other names: c.196G>A, p.Asp66Asn (NM_001323517.1); c.190G>A, p.Asp64Asn (NM_001323518.2); short protein forms D64N, D66N.
Identifiers: ClinVar variation 1497505 (VCV001497505.8), dbSNP rs2134575842, ClinGen allele CA377618183.
Genomic context (GRCh38, chr10:93,600,719, plus strand): 5'-CCACTGACTTCAAAAGACGGACTCGGCCCTTGGCTGTGGCGCTCATCTGGCCGGTCTCGT[C>T]CACGGAGAACTCCGCGACGATGTTGTCCTGCAGAAAGAGGCCCTCGGGGTCCTTCTTGGC-3'
Protein context (NP_006735.2, residues 56-76): QDNIVAEFSV[Asp66Asn]ETGQMSATAK